The following is an entry in ClinVar:

NM_014956.5(CEP164):c.1466C>T (p.Ala489Val)

Gene: CEP164 (centrosomal protein 164; plus strand). Cytogenetic location: 11q23.3.
Variant type: single nucleotide variant.
Coding change: c.1466C>T on transcript NM_014956.5 (MANE Select); coding-DNA position 1466, C replaced by T.
Protein change: p.Ala489Val; replaces alanine 489 with valine.
Molecular consequence: missense variant.
Genome position (GRCh38, 1-based): chr11:117,381,757, C>T. VCF-style: chr11-117381757-C-T. GRCh37 (hg19) VCF-style: chr11-117252473-C-T.
Other names: c.1475C>T, p.Ala492Val (NM_001271933.2); short protein forms A492V, A489V.
Identifiers: ClinVar variation 1043505 (VCV001043505.8), dbSNP rs868163339, ClinGen allele CA229397590.
Genomic context (GRCh38, chr11:117,381,757, plus strand): 5'-CCAGGTTATCTCCTCCACTTCCACACGAGGAGCGGGCCCAGAGTCCCCCTCGCAGCCTGG[C>T]CACTGAAGAAGAGCCTCCCCAGGGCCCCGAGGGGCAGCCCGAGTGGAAGGAGGCAGAGGA-3'
Protein context (NP_055771.4, residues 479-499): ERAQSPPRSL[Ala489Val]TEEEPPQGPE

ClinVar aggregate classification (germline): Uncertain significance (1 of 4 stars; one submission).

Conditions:
Nephronophthisis 15 (NPHP15). Identifiers: Orphanet 3156, MedGen C3541853, MONDO:0013917, OMIM 614845.

Allele frequency attached by ClinVar (database versions not stated): gnomAD exomes below 0.00001.
gnomAD v4.1: 1 of 1,608,350 alleles (0.000062%); highest among the groups gnomAD compares: South Asian, 0.0011%; no homozygotes.

Submission:

Labcorp Genetics (formerly Invitae), Labcorp
Classification: Uncertain significance for Nephronophthisis 15. Last evaluated: 2024-02-24. Review status: criteria provided, single submitter. Criteria: Invitae Variant Classification Sherloc (09022015). Collection method: clinical testing. Allele origin: germline.
Comment: This sequence change replaces alanine, which is neutral and non-polar, with valine, which is neutral and non-polar, at codon 489 of the CEP164 protein (p.Ala489Val). This variant is not present in population databases (gnomAD no frequency). This variant has not been reported in the literature in individuals affected with CEP164-related conditions. ClinVar contains an entry for this variant (Variation ID: 1043505). Algorithms developed to predict the effect of missense changes on protein structure and function output the following: SIFT: "Not Available"; PolyPhen-2: "Benign"; Align-GVGD: "Not Available". The valine amino acid residue is found in multiple mammalian species, which suggests that this missense change does not adversely affect protein function. In summary, the available evidence is currently insufficient to determine the role of this variant in disease. Therefore, it has been classified as a Variant of Uncertain Significance.